The following is an entry in ClinVar:

ClinVar aggregate classification (germline): Likely benign (1 of 4 stars; one submission).

Submission:

CeGaT Center for Human Genetics Tuebingen
Classification: Likely benign. Last evaluated: 2025-06-01. Review status: criteria provided, single submitter. Criteria: CeGaT Center For Human Genetics Tuebingen Variant Classification Criteria Version 2. Collection method: clinical testing. Allele origin: germline. Affected: yes. Observed: 1 variant allele.
Comment: DSPP: BP4, BP7

NM_014208.3(DSPP):c.3660C>T (p.Ser1220=)

Genes: DMP1-AS1 (DMP1 and DSPP antisense RNA 1; minus strand), DSPP (dentin sialophosphoprotein; plus strand). Cytogenetic location: 4q22.1.
Variant type: single nucleotide variant.
Coding change: c.3660C>T on transcript NM_014208.3 (MANE Select); coding-DNA position 3660, C replaced by T.
Protein change: p.Ser1220=; no amino-acid change (serine 1220 retained).
Molecular consequence: synonymous variant.
Genome position (GRCh38, 1-based): chr4:87,616,322, C>T. VCF-style: chr4-87616322-C-T. GRCh37 (hg19) VCF-style: chr4-88537474-C-T.
Identifiers: ClinVar variation 4083560 (VCV004083560.8).
Genomic context (GRCh38, chr4:87,616,322, plus strand): 5'-CAGCAGCGATAGTAGTGATAGCAGTGACAGCAGTGACAGCAGCGACAGCAGTGACAGCAG[C>T]GACAGCAGTGACAGCAGCGACAGCAGTGACAGCAATGAAAGCAGCGACAGCAGTGACAGC-3'
Protein context (NP_055023.2, residues 1210-1230): SSDSSDSSDS[Ser1220=]DSSDSSDSSD